The following is an entry in ClinVar:

ClinVar aggregate classification (germline): Uncertain significance (1 of 4 stars; one submission).

gnomAD v4.1: 5 of 1,604,976 alleles (0.00031%); highest among the groups gnomAD compares: Admixed American, 0.005%; no homozygotes.

Submission:

GeneDx
Classification: Uncertain significance. Last evaluated: 2026-03-22. Review status: criteria provided, single submitter. Criteria: GeneDx Variant Classification Process June 2021. Collection method: clinical testing. Allele origin: germline.
Comment: In silico analysis suggests that this missense variant does not alter protein structure/function; Has not been previously published as pathogenic or benign to our knowledge

NM_015465.5(GEMIN5):c.4273A>G (p.Lys1425Glu)

Gene: GEMIN5 (gem nuclear organelle associated protein 5; minus strand). Cytogenetic location: 5q33.2.
Variant type: single nucleotide variant.
Coding change: c.4273A>G on transcript NM_015465.5 (MANE Select); coding-DNA position 4273, A replaced by G.
Protein change: p.Lys1425Glu; replaces lysine 1425 with glutamic acid.
Molecular consequence: missense variant.
Genome position (GRCh38, 1-based): chr5:154,889,407, T>C on the plus strand (A>G on the coding strand, the complement: GEMIN5 is on the minus strand). VCF-style: chr5-154889407-T-C. GRCh37 (hg19) VCF-style: chr5-154268967-T-C.
Other names: c.4270A>G, p.Lys1424Glu (NM_001252156.2); short protein forms K1424E, K1425E.
Identifiers: ClinVar variation 5017069 (VCV005017069.1).